The following is an entry in ClinVar:

NM_001003800.2(BICD2):c.1189C>G (p.Leu397Val)

Gene: BICD2 (BICD cargo adaptor 2; minus strand). Cytogenetic location: 9q22.31.
Variant type: single nucleotide variant.
Coding change: c.1189C>G on transcript NM_001003800.2 (MANE Select); coding-DNA position 1189, C replaced by G.
Protein change: p.Leu397Val; replaces leucine 397 with valine.
Molecular consequence: missense variant.
Genome position (GRCh38, 1-based): chr9:92,719,456, G>C on the plus strand (C>G on the coding strand, the complement: BICD2 is on the minus strand). VCF-style: chr9-92719456-G-C. GRCh37 (hg19) VCF-style: chr9-95481738-G-C.
Other names: c.1189C>G, p.Leu397Val (NM_015250.4); short protein forms L397V.
Identifiers: ClinVar variation 1044577 (VCV001044577.9), dbSNP rs1853411761, ClinGen allele CA374040014.

ClinVar aggregate classification (germline): Uncertain significance (1 of 4 stars; one submission).

Conditions:
Autosomal dominant childhood-onset proximal spinal muscular atrophy with contractures (SMALED2A). Also called: Spinal muscular atrophy, lower extremity-predominant, 2A, autosomal dominant; SPINAL MUSCULAR ATROPHY, LOWER EXTREMITY-PREDOMINANT, 2A, CHILDHOOD ONSET, AUTOSOMAL DOMINANT. Identifiers: Orphanet 363447, Orphanet 363454, MedGen C4747715, MONDO:0014121, OMIM 615290.

Submission:

Labcorp Genetics (formerly Invitae), Labcorp
Classification: Uncertain significance for Autosomal dominant childhood-onset proximal spinal muscular atrophy with contractures. Last evaluated: 2020-02-28. Review status: criteria provided, single submitter. Criteria: Invitae Variant Classification Sherloc (09022015). Collection method: clinical testing. Allele origin: germline.
Comment: This sequence change replaces leucine with valine at codon 397 of the BICD2 protein (p.Leu397Val). The leucine residue is moderately conserved and there is a small physicochemical difference between leucine and valine. This variant is not present in population databases (ExAC no frequency). This variant has not been reported in the literature in individuals with BICD2-related conditions. Algorithms developed to predict the effect of missense changes on protein structure and function are either unavailable or do not agree on the potential impact of this missense change (SIFT: "Deleterious"; PolyPhen-2: "Benign"; Align-GVGD: "Class C0"). Algorithms developed to predict the effect of sequence changes on RNA splicing suggest that this variant may create or strengthen a splice site, but this prediction has not been confirmed by published transcriptional studies. In summary, the available evidence is currently insufficient to determine the role of this variant in disease. Therefore, it has been classified as a Variant of Uncertain Significance.